The following is an entry in ClinVar:

ClinVar aggregate classification (germline): Uncertain significance. Review status: criteria provided, multiple submitters, no conflicts (2 of 4 stars). 2 submissions from 2 submitters: Uncertain significance (2). Last evaluated 2025-08-21.

Conditions:
PHIP-related disorder. Also called: PHIP-related disorders; PHIP-related condition.
Inborn genetic diseases. Identifiers: MedGen C0950123, MeSH D030342.

gnomAD v4.1: 8 of 1,614,036 alleles (0.0005%); highest among the groups gnomAD compares: Non-Finnish European, 0.00068%; no homozygotes.

Submissions (2):

Ambry Genetics
Classification: Uncertain significance for Inborn genetic diseases. Last evaluated: 2025-08-21. Review status: criteria provided, single submitter. Criteria: Ambry Variant Classification Scheme 2023. Collection method: clinical testing. Allele origin: germline.

PreventionGenetics, part of Exact Sciences
Classification: Uncertain significance for PHIP-related condition. Last evaluated: 2024-11-15. Review status: criteria provided, single submitter. Criteria: ACMG Guidelines, 2015. Collection method: clinical testing. Allele origin: germline.
Comment: The PHIP c.4453A>G variant is predicted to result in the amino acid substitution p.Ile1485Val. To our knowledge, this variant has not been reported in the literature. This variant is reported in 0.00088% of alleles in individuals of European (Non-Finnish) descent in gnomAD. At this time, the clinical significance of this variant is uncertain due to the absence of conclusive functional and genetic evidence.

NM_017934.7(PHIP):c.4453A>G (p.Ile1485Val)

Genes: IRAK1BP1 (interleukin 1 receptor associated kinase 1 binding protein 1; plus strand), PHIP (PHIP subunit of CUL4-Ring ligase complex; minus strand). Cytogenetic location: 6q14.1.
Variant type: single nucleotide variant.
Coding change: c.4453A>G on transcript NM_017934.7 (MANE Select); coding-DNA position 4453, A replaced by G.
Protein change: p.Ile1485Val; replaces isoleucine 1485 with valine.
Molecular consequence: missense variant.
Genome position (GRCh38, 1-based): chr6:78,946,178, T>C on the plus strand (A>G on the coding strand, the complement: PHIP is on the minus strand). VCF-style: chr6-78946178-T-C. GRCh37 (hg19) VCF-style: chr6-79655895-T-C.
Other names: c.4453A>G (NM_017934.6); short protein forms I1485V.
Identifiers: ClinVar variation 4135817 (VCV004135817.2).